The following is an entry in ClinVar:

ClinVar aggregate classification (germline): Uncertain significance. Review status: criteria provided, multiple submitters, no conflicts (2 of 4 stars). 4 submissions from 4 submitters: Uncertain significance (3). 1 of the submissions does not count toward it. Last evaluated 2026-04-14.

Conditions:
Familial intrahepatic cholestasis. Identifiers: Orphanet 284385, MedGen CN296401, MONDO:0017290.
Progressive familial intrahepatic cholestasis type 2. Identifiers: Orphanet 79304, MedGen C3489789, MONDO:0011156, OMIM 601847.
ABCB11-related disorder. Also called: ABCB11-related condition.

gnomAD v4.1: 3 of 1,612,220 alleles (0.00019%); highest among the groups gnomAD compares: Non-Finnish European, 0.00017%; no homozygotes.

Submissions (4):

Genomenon, Inc
Classification: Uncertain significance for Familial intrahepatic cholestasis. Last evaluated: 2026-04-14. Review status: criteria provided, single submitter. Criteria: Genomenon Sequence Variant Interpretation Standards - Updated. Collection method: curation. Allele origin: germline. Affected: yes.
Comment: ABCB11 p.Gly455Glu (c.1364G>A) is a missense variant that changes the amino acid at residue 455 from Glycine to Glutamic acid. This variant has been observed in at least one proband with an ABCB11-related disorder (PMID:20232290). It is absent or not present at a significant frequency in gnomAD. In silico models predict that this variant is possibly or probably damaging. In conclusion, we classify ABCB11 p.Gly455Glu (c.1364G>A) as a variant of uncertain significance.

Broad Center for Mendelian Genomics, Broad Institute of MIT and Harvard
Classification: Uncertain significance for Progressive familial intrahepatic cholestasis type 2. Last evaluated: 2025-01-27. Review status: criteria provided, single submitter. Criteria: ACMG Guidelines, 2015. Collection method: curation. Allele origin: germline. Inheritance: Autosomal recessive inheritance.
Comment: The p.Gly455Glu variant in ABCB11 has been reported in one individual with BSEP deficiency (PMID: 20232290), and has been identified in 0.0002% (2/1178692) of European (non-Finnish) chromosomes by the Genome Aggregation Database (gnomAD; dbSNP rs1477888526). Although this variant has been seen in the general population in a heterozygous state, its frequency is low enough to be consistent with a recessive carrier frequency. Computational prediction tools and conservation analyses suggest that this variant may impact the protein, though this information is not predictive enough to determine pathogenicity. In summary, while there is some suspicion for a pathogenic role, the clinical significance of this variant is uncertain. ACMG/AMP Criteria applied: PP3_moderate, PM2_supporting (Richards 2015).

Women's Health and Genetics/Laboratory Corporation of America, LabCorp
Classification: Uncertain significance. Last evaluated: 2025-01-13. Review status: criteria provided, single submitter. Criteria: LabCorp Variant Classification Summary - May 2015. Collection method: clinical testing. Allele origin: germline.
Comment: Variant summary: ABCB11 c.1364G>A (p.Gly455Glu) results in a non-conservative amino acid change located in the first ATP-binding domain (IPR003439) of the encoded protein sequence. Four of four in-silico tools predict a damaging effect of the variant on protein function. The variant allele was found at a frequency of 4e-06 in 248746 control chromosomes (gnomAD). The available data on variant occurrences in the general population are insufficient to allow any conclusion about variant significance. c.1364G>A has been reported in the literature in at least one compound heterozygous individual affected with Intrahepatic Cholestasis (Davit-Spraul_2010). These data do not allow any conclusion about variant significance. To our knowledge, no experimental evidence demonstrating an impact on protein function has been reported. However, a different missense affecting the same amino acid (p.G455A) was reported in an affected individual (PMID 31450232; HGMD). The following publication have been ascertained in the context of this evaluation (PMID: 20232290). ClinVar contains an entry for this variant (Variation ID: 3349106). Based on the evidence outlined above, the variant was classified as uncertain significance.

PreventionGenetics, part of Exact Sciences
Classification: Uncertain significance for ABCB11-related condition. Last evaluated: 2024-03-28. Review status: no assertion criteria provided. Collection method: clinical testing. Allele origin: germline. Not counted in ClinVar's aggregate classification.
Comment: The ABCB11 c.1364G>A variant is predicted to result in the amino acid substitution p.Gly455Glu. This variant was reported in the compound heterozygous state in an individual with progressive familial intrahepatic cholestasis (Davit-Spraul et al 2010. PubMed ID: 20232290). This variant is reported in 0.00089% of alleles in individuals of European (Non-Finnish) descent in gnomAD. Although we suspect that this variant may be pathogenic, at this time, the clinical significance of this variant is uncertain due to the absence of conclusive functional and genetic evidence.

Literature cited by the submitters: PubMed 20232290 (cited by Genomenon, Inc and Women's Health and Genetics/Laboratory Corporation of America, LabCorp).

NM_003742.4(ABCB11):c.1364G>A (p.Gly455Glu)

Gene: ABCB11 (ATP binding cassette subfamily B member 11; minus strand). Cytogenetic location: 2q31.1.
Variant type: single nucleotide variant.
Coding change: c.1364G>A on transcript NM_003742.4 (MANE Select); coding-DNA position 1364, G replaced by A.
Protein change: p.Gly455Glu; replaces glycine 455 with glutamic acid.
Molecular consequence: missense variant.
Genome position (GRCh38, 1-based): chr2:168,973,785, C>T on the plus strand (G>A on the coding strand, the complement: ABCB11 is on the minus strand). VCF-style: chr2-168973785-C-T. GRCh37 (hg19) VCF-style: chr2-169830295-C-T.
Other names: short protein forms G455E.
Identifiers: ClinVar variation 3349106 (VCV003349106.5).